The following is an entry in ClinVar:

ClinVar aggregate classification (germline): Conflicting classifications of pathogenicity. Review status: criteria provided, conflicting classifications (1 of 4 stars). 3 submissions from 3 submitters: Uncertain significance (2); Likely benign (1). Last evaluated 2026-01-31.

Conditions:
Multiple endocrine neoplasia, type 2 (MEN2). Identifiers: Orphanet 653, MedGen C4048306, MONDO:0019003. Disease mechanism: gain of function.
Hereditary cancer-predisposing syndrome. Also called: Neoplastic Syndromes, Hereditary; Hereditary Cancer Syndrome; Hereditary neoplastic syndrome; Tumor predisposition. Identifiers: Orphanet 140162, MedGen C0027672, MeSH D009386, MONDO:0015356.

Allele frequency attached by ClinVar (database versions not stated): gnomAD 0.00001; TOPMed 0.00002; gnomAD exomes 0.00004 and 0.00007; ExAC 0.00014.
gnomAD v4.1: 24 of 1,614,022 alleles (0.0015%); highest among the groups gnomAD compares: Non-Finnish European, 0.0019%; no homozygotes.

Submissions (3):

Labcorp Genetics (formerly Invitae), Labcorp
Classification: Uncertain significance for Multiple endocrine neoplasia, type 2. Last evaluated: 2026-01-31. Review status: criteria provided, single submitter. Criteria: Invitae Variant Classification Sherloc (09022015). Collection method: clinical testing. Allele origin: germline.
Comment: This sequence change replaces isoleucine, which is neutral and non-polar, with valine, which is neutral and non-polar, at codon 436 of the RET protein (p.Ile436Val). This variant is present in population databases (rs770736612, gnomAD 0.01%). This variant has not been reported in the literature in individuals affected with RET-related conditions. ClinVar contains an entry for this variant (Variation ID: 477313). An algorithm developed to predict the effect of missense changes on protein structure and function outputs the following: PolyPhen-2: "Benign". The valine amino acid residue is found in multiple mammalian species, which suggests that this missense change does not adversely affect protein function. In summary, the available evidence is currently insufficient to determine the role of this variant in disease. Therefore, it has been classified as a Variant of Uncertain Significance.

Center for Genomic Medicine, Rigshospitalet, Copenhagen University Hospital
Classification: Uncertain significance. Last evaluated: 2025-03-04. Review status: criteria provided, single submitter. Criteria: ACMG Guidelines, 2015. Collection method: clinical testing. Allele origin: germline.

Ambry Genetics
Classification: Likely benign for Hereditary cancer-predisposing syndrome. Last evaluated: 2022-10-09. Review status: criteria provided, single submitter. Criteria: Ambry Variant Classification Scheme 2023. Collection method: clinical testing. Allele origin: germline.

NM_020975.6(RET):c.1306A>G (p.Ile436Val)

Gene: RET (ret proto-oncogene; plus strand). Cytogenetic location: 10q11.21.
Variant type: single nucleotide variant.
Coding change: c.1306A>G on transcript NM_020975.6 (MANE Select); coding-DNA position 1306, A replaced by G.
Protein change: p.Ile436Val; replaces isoleucine 436 with valine.
Molecular consequence: missense variant.
Genome position (GRCh38, 1-based): chr10:43,111,249, A>G. VCF-style: chr10-43111249-A-G. GRCh37 (hg19) VCF-style: chr10-43606697-A-G.
Other names: c.1306A>G, p.Ile436Val (NM_000323.2, NM_001406743.1, NM_001406744.1 and 6 more transcripts); c.544A>G, p.Ile182Val (NM_001355216.2); c.1177A>G, p.Ile393Val (NM_001406761.1, NM_001406762.1, NM_001406764.1 and 1 more transcripts); c.1018A>G, p.Ile340Val (NM_001406766.1, NM_001406767.1, NM_001406770.1); c.910A>G, p.Ile304Val (NM_001406769.1, NM_001406772.1); c.868A>G, p.Ile290Val (NM_001406771.1, NM_001406773.1); c.781A>G, p.Ile261Val (NM_001406774.1); c.580A>G, p.Ile194Val (NM_001406775.1, NM_001406776.1, NM_001406777.1 and 1 more transcripts); and 1 more; short protein forms I436V, I182V, I290V, I393V, I304V, I340V, I106V, I194V.
Identifiers: ClinVar variation 477313 (VCV000477313.14), dbSNP rs770736612, ClinGen allele CA033031.
Genomic context (GRCh38, chr10:43,111,249, plus strand): 5'-TCCCCTGTGCCCCCCTAGATCGGGAAAGTCTGTGTGGAAAACTGCCAGGCATTCAGTGGC[A>G]TCAACGTCCAGTACAAGCTGCATTCCTCTGGTGCCAACTGCAGCACGCTAGGGGTGGTCA-3'
Protein context (NP_066124.1, residues 426-446): CVENCQAFSG[Ile436Val]NVQYKLHSSG